The following is an entry in ClinVar:

ClinVar aggregate classification (germline): Uncertain significance (1 of 4 stars; one submission).

Submission:

GeneDx
Classification: Uncertain significance. Last evaluated: 2022-12-01. Review status: criteria provided, single submitter. Criteria: GeneDx Variant Classification Process June 2021. Collection method: clinical testing. Allele origin: germline. Affected: yes.
Comment: Not observed at significant frequency in large population cohorts (gnomAD); In silico analysis supports that this missense variant does not alter protein structure/function; Has not been previously published as pathogenic or benign to our knowledge

NM_016333.4(SRRM2):c.4256G>C (p.Ser1419Thr)

Gene: SRRM2 (serine/arginine repetitive matrix 2; plus strand). Cytogenetic location: 16p13.3.
Variant type: single nucleotide variant.
Coding change: c.4256G>C on transcript NM_016333.4 (MANE Select); coding-DNA position 4256, G replaced by C.
Protein change: p.Ser1419Thr; replaces serine 1419 with threonine.
Molecular consequence: missense variant.
Genome position (GRCh38, 1-based): chr16:2,764,784, G>C. VCF-style: chr16-2764784-G-C. GRCh37 (hg19) VCF-style: chr16-2814785-G-C.
Other names: short protein forms S1419T.
Identifiers: ClinVar variation 2504185 (VCV002504185.1), dbSNP rs1287244712, ClinGen allele CA394416761.
Genomic context (GRCh38, chr16:2,764,784, plus strand): 5'-ATCAGAGCATCTCTTCACCTGTGCTTGATGCTGTACCCAGAACACCCTCGAGAGAAAGAA[G>C]TAGTTCTGCATCTTCTCCTGAAATGAAAGATGGTTTACCCAGAACTCCATCAAGGAGAAG-3'
Protein context (NP_057417.3, residues 1409-1429): AVPRTPSRER[Ser1419Thr]SSASSPEMKD